The following is an entry in ClinVar:

ClinVar aggregate classification (germline): Uncertain significance (1 of 4 stars; one submission).

Conditions:
Costello syndrome (CSTLO). Also called: FACIOCUTANEOSKELETAL SYNDROME; FCS SYNDROME; HRAS-Related Costello Syndrome. Identifiers: Orphanet 3071, MedGen C0587248, MONDO:0009026, OMIM 218040.

Submission:

Labcorp Genetics (formerly Invitae), Labcorp
Classification: Uncertain significance for Costello syndrome. Last evaluated: 2025-04-26. Review status: criteria provided, single submitter. Criteria: Invitae Variant Classification Sherloc (09022015). Collection method: clinical testing. Allele origin: germline.
Comment: This sequence change falls in intron 3 of the HRAS gene. It does not directly change the encoded amino acid sequence of the HRAS protein. It affects a nucleotide within the consensus splice site. This variant is not present in population databases (gnomAD no frequency). This variant has not been reported in the literature in individuals affected with HRAS-related conditions. Variants that disrupt the consensus splice site are a relatively common cause of aberrant splicing (PMID: 17576681, 9536098). Algorithms developed to predict the effect of sequence changes on RNA splicing suggest that this variant may disrupt the consensus splice site. In summary, the available evidence is currently insufficient to determine the role of this variant in disease. Therefore, it has been classified as a Variant of Uncertain Significance.

Literature cited by the submitters: PubMed 17576681; PubMed 9536098.

NM_005343.4(HRAS):c.290+3G>C

Genes: LRRC56 (leucine rich repeat containing 56; plus strand), HRAS (HRas proto-oncogene, GTPase; minus strand). Cytogenetic location: 11p15.5.
Variant type: single nucleotide variant.
Coding change: c.290+3G>C on transcript NM_005343.4 (MANE Select); 3 bases into the intron after coding-DNA position 290, G replaced by C.
Molecular consequence: intron variant.
Genome position (GRCh38, 1-based): chr11:533,763, C>G on the plus strand (G>C on the coding strand, the complement: HRAS is on the minus strand). VCF-style: chr11-533763-C-G. GRCh37 (hg19) VCF-style: chr11-533763-C-G.
Other names: c.-162+5426C>G (NM_001441284.1, NM_001441286.1); c.290+3G>C (NM_001130442.3, NM_176795.5); c.-30+3G>C (NM_001318054.2).
Identifiers: ClinVar variation 4718342 (VCV004718342.1).
Genomic context (GRCh38, chr11:533,763, plus strand): 5'-GACGCAGCCGGCCTGGCCCCACCTGTGCGGCGTGGGCTCCCGGGCCAGCCTCACGGGGTT[C>G]ACCTGTACTGGTGGATGTCCTCAAAAGACTTGGTGTTGTTGATGGCAAACACACACAGGA-3'